The following is an entry in ClinVar:

ClinVar aggregate classification (germline): Uncertain significance (0 of 4 stars; one submission).

Conditions:
SEMA3D-related disorder. Also called: SEMA3D-related condition.

gnomAD v4.1: 5 of 1,479,148 alleles (0.00034%); highest among the groups gnomAD compares: African/African-American, 0.0069%; no homozygotes.

Submission:

PreventionGenetics, part of Exact Sciences
Classification: Uncertain significance for SEMA3D-related condition. Last evaluated: 2023-12-01. Review status: no assertion criteria provided. Collection method: clinical testing. Allele origin: germline.
Comment: The SEMA3D c.1009A>G variant is predicted to result in the amino acid substitution p.Arg337Gly. To our knowledge, this variant has not been reported in the literature. This variant is reported in 0.0081% of alleles in individuals of African descent in gnomAD. At this time, the clinical significance of this variant is uncertain due to the absence of conclusive functional and genetic evidence.

NM_001384900.1(SEMA3D):c.1009A>G (p.Arg337Gly)

Gene: SEMA3D (semaphorin 3D; minus strand). Cytogenetic location: 7q21.11.
Variant type: single nucleotide variant.
Coding change: c.1009A>G on transcript NM_001384900.1 (MANE Select); coding-DNA position 1009, A replaced by G.
Protein change: p.Arg337Gly; replaces arginine 337 with glycine.
Molecular consequence: missense variant.
Genome position (GRCh38, 1-based): chr7:85,040,710, T>C on the plus strand (A>G on the coding strand, the complement: SEMA3D is on the minus strand). VCF-style: chr7-85040710-T-C. GRCh37 (hg19) VCF-style: chr7-84670026-T-C.
Other names: c.1009A>G, p.Arg337Gly (NM_001384901.1, NM_001384902.1, NM_001384903.1 and 1 more transcripts); short protein forms R337G.
Identifiers: ClinVar variation 3356800 (VCV003356800.1).
Genomic context (GRCh38, chr7:85,040,710, plus strand): 5'-TAAAAGCATTTTGTTGAACATACCTGGTTGTAGTAAAGACTCCATATACTACAGGATTTC[T>C]TTCATCTCTTGTGGGGAGTAAATAAATATCTTCTATTAAAGGGGAAAAATAAATATTTAC-3'
Protein context (NP_001371829.1, residues 327-347): DIYLLPTRDE[Arg337Gly]NPVVYGVFTT